The following is an entry in ClinVar:

NM_000618.5(IGF1):c.*1770C>T

Genes: IGF1 (insulin like growth factor 1; minus strand), LINC02456 (long intergenic non-protein coding RNA 2456; plus strand). Cytogenetic location: 12q23.2.
Variant type: single nucleotide variant.
Coding change: c.*1770C>T on transcript NM_000618.5 (MANE Select); 1770 bases downstream of the stop codon, C replaced by T.
Molecular consequence: 3 prime UTR variant.
Genome position (GRCh38, 1-based): chr12:102,400,737, G>A on the plus strand (C>T on the coding strand, the complement: IGF1 is on the minus strand). VCF-style: chr12-102400737-G-A. GRCh37 (hg19) VCF-style: chr12-102794515-G-A.
Other names: c.*1804C>T (NM_001111283.3); c.*1770C>T (NM_001111284.2).
Identifiers: ClinVar variation 306892 (VCV000306892.6), dbSNP rs6220, ClinGen allele CA10631946.

ClinVar aggregate classification (germline): Benign. Review status: criteria provided, multiple submitters, no conflicts (2 of 4 stars). 2 submissions from 2 submitters: Benign (2). Last evaluated 2018-01-13.

Conditions:
Growth delay due to insulin-like growth factor type 1 deficiency (IGF1D). Also called: GROWTH RETARDATION WITH SENSORINEURAL DEAFNESS AND MENTAL RETARDATION; IGF1 DEFICIENCY. Identifiers: Orphanet 73272, MedGen C1837475, MONDO:0012110, OMIM 608747.

Allele frequency attached by ClinVar (database versions not stated): 1000 Genomes Project 0.63858; 1000 Genomes Project 30x 0.64272; gnomAD 0.66790 and 0.66933; TOPMed 0.67012.

Submissions (2):

Illumina Laboratory Services, Illumina
Classification: Benign for Growth delay due to insulin-like growth factor type 1 deficiency. Last evaluated: 2018-01-13. Review status: criteria provided, single submitter. Criteria: ICSL Variant Classification Criteria 13 December 2019. Collection method: clinical testing. Allele origin: germline.
Comment: This variant was observed in the ICSL laboratory as part of a predisposition screen in an ostensibly healthy population. It had not been previously curated by ICSL or reported in the Human Gene Mutation Database (HGMD: prior to June 1st, 2018), and was therefore a candidate for classification through an automated scoring system. Utilizing variant allele frequency, disease prevalence and penetrance estimates, and inheritance mode, an automated score was calculated to assess if this variant is too frequent to cause the disease. Based on the score and internal cut-off values, a variant classified as benign is not then subjected to further curation. The score for this variant resulted in a classification of benign for this disease.

Breakthrough Genomics
Classification: Benign. Review status: criteria provided, single submitter. Criteria: ACMG Guidelines, 2015. Collection method: not provided. Allele origin: germline. Inheritance: Autosomal recessive inheritance. Affected: yes.